The following is an entry in ClinVar:

NM_001243279.3(ACSF3):c.1311G>A (p.Trp437Ter)

Gene: ACSF3 (acyl-CoA synthetase family member 3; plus strand). Cytogenetic location: 16q24.3.
Variant type: single nucleotide variant.
Coding change: c.1311G>A on transcript NM_001243279.3 (MANE Select); coding-DNA position 1311, G replaced by A.
Protein change: p.Trp437Ter; replaces tryptophan 437 with a stop codon.
Molecular consequence: nonsense. On other transcripts: non-coding transcript variant (3).
Genome position (GRCh38, 1-based): chr16:89,133,207, G>A. VCF-style: chr16-89133207-G-A. GRCh37 (hg19) VCF-style: chr16-89199615-G-A.
Other names: c.1311G>A, p.Trp437Ter (NM_001127214.4, NM_174917.5); c.516G>A, p.Trp172Ter (NM_001284316.2); c.1311G>A (NM_174917.4); short protein forms W172*, W437*.
Identifiers: ClinVar variation 1068650 (VCV001068650.8), dbSNP rs1909702747, ClinGen allele CA397145463.

ClinVar aggregate classification (germline): Pathogenic/Likely pathogenic. Review status: criteria provided, multiple submitters, no conflicts (2 of 4 stars). 2 submissions from 2 submitters: Pathogenic (1); Likely pathogenic (1). Last evaluated 2025-11-14.

Conditions:
Combined malonic and methylmalonic acidemia. Identifiers: Orphanet 289504, MedGen C3280314, MONDO:0013661, OMIM 614265.

Allele frequency attached by ClinVar (database versions not stated): gnomAD exomes 0.00001.
gnomAD v4.1: 3 of 1,614,140 alleles (0.00019%); highest among the groups gnomAD compares: South Asian, 0.0022%; no homozygotes.

Submissions (2):

Natera, Inc.
Classification: Likely pathogenic for Combined malonic and methylmalonic aciduria. Last evaluated: 2025-11-14. Review status: criteria provided, single submitter. Criteria: Natera Variant Classification Schema (03/2026). Collection method: clinical testing. Allele origin: germline.
Comment: The c.1311G>A variant in ACSF3 is a nonsense variant predicted to introduce a stop codon at amino acid 437. This variant is expected to result in nonsense mediated decay, truncation, or a dysfunctional protein product. This variant is rare in the general population with a frequency below the threshold expected for the associated phenotype(s). Given the available evidence, this variant is classified as Likely Pathogenic.

Labcorp Genetics (formerly Invitae), Labcorp
Classification: Pathogenic for Combined malonic and methylmalonic acidemia. Last evaluated: 2023-09-08. Review status: criteria provided, single submitter. Criteria: Invitae Variant Classification Sherloc (09022015). Collection method: clinical testing. Allele origin: germline.
Comment: For these reasons, this variant has been classified as Pathogenic. ClinVar contains an entry for this variant (Variation ID: 1068650). This variant has not been reported in the literature in individuals affected with ACSF3-related conditions. This variant is not present in population databases (gnomAD no frequency). This sequence change creates a premature translational stop signal (p.Trp437*) in the ACSF3 gene. It is expected to result in an absent or disrupted protein product. Loss-of-function variants in ACSF3 are known to be pathogenic (PMID: 21841779, 26827111).

Literature cited by the submitters: PubMed 21841779 (cited by Labcorp Genetics (formerly Invitae), Labcorp); PubMed 26827111 (cited by Labcorp Genetics (formerly Invitae), Labcorp).